The following is an entry in ClinVar:

ClinVar aggregate classification (germline): Conflicting classifications of pathogenicity. Review status: criteria provided, conflicting classifications (1 of 4 stars). 4 submissions from 4 submitters: Uncertain significance (1); Benign (1); Likely benign (2). Last evaluated 2025-09-05.

Conditions:
Inborn genetic diseases. Identifiers: MedGen C0950123, MeSH D030342.
Nance-Horan syndrome (NHS). Identifiers: Orphanet 627, MedGen C0796085, MONDO:0010545, OMIM 302350.

Allele frequency attached by ClinVar (database versions not stated): TOPMed 0.00002; ExAC 0.00005; ESP Exome Variant Server 0.00009; gnomAD 0.00009.
gnomAD v4.1: 53 of 1,209,748 alleles (0.0044%); highest among the groups gnomAD compares: African/African-American, 0.012%; no homozygotes.

Submissions (4):

Labcorp Genetics (formerly Invitae), Labcorp
Classification: Benign for Nance-Horan syndrome. Last evaluated: 2025-09-05. Review status: criteria provided, single submitter. Criteria: Invitae Variant Classification Sherloc (09022015). Collection method: clinical testing. Allele origin: germline.

CeGaT Center for Human Genetics Tuebingen
Classification: Likely benign. Last evaluated: 2024-07-01. Review status: criteria provided, single submitter. Criteria: CeGaT Center For Human Genetics Tuebingen Variant Classification Criteria Version 2. Collection method: clinical testing. Allele origin: germline. Affected: yes. Observed: 2 variant alleles.
Comment: NHS: BP4, BP7, BS2

Ambry Genetics
Classification: Likely benign for Inborn genetic diseases. Last evaluated: 2018-06-21. Review status: criteria provided, single submitter. Criteria: Ambry Variant Classification Scheme 2023. Collection method: clinical testing. Allele origin: germline.

Eurofins Ntd Llc (ga)
Classification: Uncertain significance. Last evaluated: 2014-08-20. Review status: criteria provided, single submitter. Criteria: EGL Classification Definitions 2015. Collection method: clinical testing. Allele origin: germline. Observed: 1 variant allele, 1 heterozygote.

NM_001291867.2(NHS):c.3408G>A (p.Thr1136=)

Gene: NHS (NHS actin remodeling regulator; plus strand). Cytogenetic location: Xp22.13.
Variant type: single nucleotide variant.
Coding change: c.3408G>A on transcript NM_001291867.2 (MANE Select); coding-DNA position 3408, G replaced by A.
Protein change: p.Thr1136=; no amino-acid change (threonine 1136 retained).
Molecular consequence: synonymous variant.
Genome position (GRCh38, 1-based): chrX:17,727,514, G>A. VCF-style: chrX-17727514-G-A. GRCh37 (hg19) VCF-style: chrX-17745634-G-A.
Other names: c.2877G>A, p.Thr959= (NM_001136024.4); c.2814G>A, p.Thr938= (NM_001291868.2); c.3345G>A, p.Thr1115= (NM_198270.4).
Identifiers: ClinVar variation 198293 (VCV000198293.31), dbSNP rs370811549, ClinGen allele CA246851.